The following is an entry in ClinVar:

ClinVar aggregate classification (germline): Uncertain significance (1 of 4 stars; one submission).

gnomAD v4.1: 187 of 1,611,434 alleles (0.012%); highest among the groups gnomAD compares: Non-Finnish European, 0.013%; no homozygotes.

Submission:

Ambry Genetics
Classification: Uncertain significance. Last evaluated: 2024-11-22. Review status: criteria provided, single submitter. Criteria: Ambry Variant Classification Scheme 2023. Collection method: clinical testing. Allele origin: germline.
Comment: The c.2455C>T (p.Q819*) alteration, located in exon 26 (coding exon 26) of the VPS35L gene, consists of a C to T substitution at nucleotide position 2455. This changes the amino acid from a glutamine (Q) to a stop codon at amino acid position 819. This alteration is expected to result in premature protein truncation or nonsense-mediated mRNA decay. However, loss of function of VPS35L has not been established as a mechanism of disease. Based on data from gnomAD, the T allele has an overall frequency of 0.012% (34/278516) total alleles studied. The highest observed frequency was 0.048% (12/24920) of European (Finnish) alleles. Based on insufficient or conflicting evidence, the clinical significance of this alteration remains unclear.

NM_020314.7(VPS35L):c.2188C>T (p.Gln730Ter)

Gene: VPS35L (VPS35 endosomal protein sorting factor like; plus strand). Cytogenetic location: 16p12.3.
Variant type: single nucleotide variant.
Coding change: c.2188C>T on transcript NM_020314.7 (MANE Select); coding-DNA position 2188, C replaced by T.
Protein change: p.Gln730Ter; replaces glutamine 730 with a stop codon.
Molecular consequence: nonsense. On other transcripts: non-coding transcript variant (2).
Genome position (GRCh38, 1-based): chr16:19,652,057, C>T. VCF-style: chr16-19652057-C-T. GRCh37 (hg19) VCF-style: chr16-19663379-C-T.
Other names: c.1909C>T, p.Gln637Ter (NM_001300743.3); c.2110C>T, p.Gln704Ter (NM_001365293.2); c.1987C>T, p.Gln663Ter (NM_001365294.2); c.1300C>T, p.Gln434Ter (NM_001365295.2); short protein forms Q637*, Q663*, Q434*, Q704*, Q730*.
Identifiers: ClinVar variation 3468384 (VCV003468384.1).